The following is an entry in ClinVar:

NM_012254.3(SLC27A5):c.2021C>T (p.Pro674Leu)

Gene: SLC27A5 (solute carrier family 27 member 5; minus strand). Cytogenetic location: 19q13.43.
Variant type: single nucleotide variant.
Coding change: c.2021C>T on transcript NM_012254.3 (MANE Select); coding-DNA position 2021, C replaced by T.
Protein change: p.Pro674Leu; replaces proline 674 with leucine.
Molecular consequence: missense variant.
Genome position (GRCh38, 1-based): chr19:58,498,567, G>A on the plus strand (C>T on the coding strand, the complement: SLC27A5 is on the minus strand). VCF-style: chr19-58498567-G-A. GRCh37 (hg19) VCF-style: chr19-59009934-G-A.
Other names: c.1769C>T, p.Pro590Leu (NM_001321196.2); short protein forms P674L, P590L.
Identifiers: ClinVar variation 5003104 (VCV005003104.1).

ClinVar aggregate classification (germline): Uncertain significance (1 of 4 stars; one submission).

gnomAD v4.1: 3 of 1,614,052 alleles (0.00019%); highest among the groups gnomAD compares: Non-Finnish European, 0.00025%; no homozygotes.

Submission:

OLLIN Analises Genomicas, OLLIN
Classification: Uncertain significance. Last evaluated: 2026-08-06. Review status: criteria provided, single submitter. Criteria: ACMG Guidelines 2015 PMID 25741868. Collection method: clinical testing. Allele origin: germline.
Comment: This missense variant, located in exon 10 (of 10), has been observed in gnomAD with an allele frequency of 0.000062%, but has not been reported in ClinVar or identified in the literature. In silico analysis predicts that this variant has a tolerated effect. According to the currently available evidence, this variant has been classified as uncertain significance (PM2_P, BP4).